The following is an entry in ClinVar:

ClinVar aggregate classification (germline): Conflicting classifications of pathogenicity. Review status: criteria provided, conflicting classifications (1 of 4 stars). 6 submissions from 5 submitters: Pathogenic (3); Likely pathogenic (1); Uncertain significance (2). Last evaluated 2024-07-19.

Conditions:
Thrombocythemia 1 (THCYT1). Also called: THROMBOCYTOSIS 1; THROMBOCYTHEMIA, SOMATIC. Identifiers: MedGen C3277671, MONDO:0008554, OMIM 187950.
Primary myelofibrosis. Also called: Myelofibrosis, somatic. Identifiers: Orphanet 824, MedGen C0001815, MeSH D055728, MONDO:0009692, OMIM 254450.
Primary familial polycythemia due to EPO receptor mutation. Also called: POLYCYTHEMIA, PRIMARY FAMILIAL AND CONGENITAL; Primary Familial Congenital Polycythemia; Erythrocytosis, familial, 1; ERYTHROCYTOSIS, SOMATIC. Identifiers: Orphanet 90042, MedGen C4551637, MONDO:0007572, OMIM 133100.

Allele frequency attached by ClinVar (database versions not stated): ExAC 0.00013; gnomAD exomes 0.00015; TOPMed 0.00022; gnomAD 0.00023 and 0.00025; ESP Exome Variant Server 0.00062.
gnomAD v4.1: 562 of 1,609,668 alleles (0.035%); highest among the groups gnomAD compares: Non-Finnish European, 0.045%; no homozygotes.

Submissions (6):

Mayo Clinic Laboratories, Mayo Clinic
Classification: Uncertain significance. Last evaluated: 2024-07-19. Review status: criteria provided, single submitter. Criteria: ACMG Guidelines, 2015. Collection method: clinical testing. Allele origin: germline. Observed: 43 variant alleles.
Comment: PM2

Fulgent Genetics
Classification: Uncertain significance for Primary familial polycythemia due to EPO receptor mutation; Thrombocythemia 1; Primary myelofibrosis. Last evaluated: 2024-04-05. Review status: criteria provided, single submitter. Criteria: ACMG Guidelines, 2015. Collection method: clinical testing. Allele origin: germline.

KCCC/NGS Laboratory, Kuwait Cancer Control Center
Classification: Pathogenic for Thrombocythemia 1. Last evaluated: 2024-01-10. Review status: criteria provided, single submitter. Criteria: ACMG Guidelines, 2015. Collection method: clinical testing. Allele origin: germline. Inheritance: Autosomal dominant inheritance. Affected: yes. Observed: 1 heterozygote.
Comment: SH2B3 is an adaptor protein that regulates growth factor and cytokine signaling. Mutations are found in hematopoietic disorders including leukemias and myeloid disease. This mutation reported in ClinVar(619973 ) associated with Autosomal dominant Thrombocythemia 1 .

Neuberg Centre For Genomic Medicine, NCGM
Classification: Likely pathogenic for Thrombocythemia 1. Last evaluated: 2023-03-01. Review status: criteria provided, single submitter. Criteria: ACMG Guidelines, 2015. Collection method: clinical testing. Allele origin: germline. Inheritance: Autosomal dominant inheritance. Affected: yes.
Comment: The missense c.1183G>A(p.Glu395Lys) variant in SH2B3 gene has been reported in heterozygous state in individuals affected with Thrombocythemia (Bastarache L, et. al., 2018). The variant is reported with an allele frequency of 0.01% in the gnomAD exomes database and is novel (not in any individuals) in 1000 Genomes database. This variant has been reported to the ClinVar database as Pathogenic. The amino acid change p.Glu395Lys in SH2B3 is predicted as conserved by GERP++ and PhyloP across 100 vertebrates. The amino acid Glu at position 395 is changed to a Lys changing protein sequence and it might alter its composition and physico-chemical properties. Additional functional studies are required to prove pathogenicity of the variant. For these reasons, this variant has been classified as Likely Pathogenic.

Center for Precision Medicine, Vanderbilt University Medical Center
Classification: Pathogenic for Primary familial polycythemia due to EPO receptor mutation. Last evaluated: 2018-03-16. Review status: criteria provided, single submitter. Criteria: ACMG Guidelines, 2015. Collection method: research, in vitro. Allele origin: germline. Inheritance: Autosomal dominant inheritance. Observed: 22 variant alleles, 22 heterozygotes. Clinical features observed: malaise and fatigue, abdominal pain, hypertension, pain in joint, other headache syndromes, migraine, phlebitis and thrombophlebitis, peripheral or central vertigo, pruritus, splenomegaly, myocardial infarction, fluid overload, and 4 more.

Center for Precision Medicine, Vanderbilt University Medical Center
Classification: Pathogenic for Thrombocythemia 1. Last evaluated: 2018-03-16. Review status: criteria provided, single submitter. Criteria: ACMG Guidelines, 2015. Collection method: research, in vitro. Allele origin: germline. Inheritance: Autosomal dominant inheritance. Observed: 22 variant alleles, 22 heterozygotes. Clinical features observed: hypertension, myeloproliferative disease, diseases of blood and blood forming organs, peripheral vascular diseases, splenomegaly.

Literature cited by the submitters: PubMed 27449473 (cited by Mayo Clinic Laboratories, Mayo Clinic); PubMed 28484264 (cited by Mayo Clinic Laboratories, Mayo Clinic and Center for Precision Medicine, Vanderbilt University Medical Center); PubMed 29590070 (cited by Mayo Clinic Laboratories, Mayo Clinic); PubMed 35281324 (cited by Mayo Clinic Laboratories, Mayo Clinic); PubMed 38924136 (cited by Mayo Clinic Laboratories, Mayo Clinic); PubMed 27651169 (cited by Center for Precision Medicine, Vanderbilt University Medical Center); PubMed 15705783 (cited by Center for Precision Medicine, Vanderbilt University Medical Center).

NM_005475.3(SH2B3):c.1183G>A (p.Glu395Lys)

Gene: SH2B3 (SH2B adaptor protein 3; plus strand). Cytogenetic location: 12q24.12.
Variant type: single nucleotide variant.
Coding change: c.1183G>A on transcript NM_005475.3 (MANE Select); coding-DNA position 1183, G replaced by A.
Protein change: p.Glu395Lys; replaces glutamic acid 395 with lysine.
Molecular consequence: missense variant.
Genome position (GRCh38, 1-based): chr12:111,447,491, G>A. VCF-style: chr12-111447491-G-A. GRCh37 (hg19) VCF-style: chr12-111885295-G-A.
Other names: p.Glu193Lys; c.577G>A, p.Glu193Lys (NM_001291424.1); c.1183G>A (NM_005475.2); short protein forms E193K, E395K.
Identifiers: ClinVar variation 619973 (VCV000619973.7), dbSNP rs148636776, ClinGen allele CA6789874.
Genomic context (GRCh38, chr12:111,447,491, plus strand): 5'-GCTCAGCTGGTTCAGCTGCAGGGCCCTGATGCTCATGGAGTGTTCCTGGTGCGGCAGAGC[G>A]AGACGCGGCGTGGGGAATACGTGCTCACTTTCAACTTTCAGGGGATAGCCAAGGTATGGG-3'
Protein context (NP_005466.1, residues 385-405): AHGVFLVRQS[Glu395Lys]TRRGEYVLTF